The following is an entry in ClinVar:

NM_182916.3(TRNT1):c.787G>A (p.Val263Met)

Gene: TRNT1 (tRNA nucleotidyl transferase 1; plus strand). Cytogenetic location: 3p26.2.
Variant type: single nucleotide variant.
Coding change: c.787G>A on transcript NM_182916.3 (MANE Select); coding-DNA position 787, G replaced by A.
Protein change: p.Val263Met; replaces valine 263 with methionine.
Molecular consequence: missense variant. On other transcripts: non-coding transcript variant (6), intron variant (1).
Genome position (GRCh38, 1-based): chr3:3,146,608, G>A. VCF-style: chr3-3146608-G-A. GRCh37 (hg19) VCF-style: chr3-3188292-G-A.
Other names: c.787G>A, p.Val263Met (NM_001367321.1, NM_001367322.1, NM_001367323.1); c.742+45G>A (NM_001302946.2); c.787G>A (NM_182916.2); short protein forms V263M.
Identifiers: ClinVar variation 1062681 (VCV001062681.5), dbSNP rs201873697, ClinGen allele CA2228779.

ClinVar aggregate classification (germline): Uncertain significance. Review status: criteria provided, multiple submitters, no conflicts (2 of 4 stars). 2 submissions from 2 submitters: Uncertain significance (2). Last evaluated 2025-01-15.

Conditions:
Inborn genetic diseases. Identifiers: MedGen C0950123, MeSH D030342.
Congenital sideroblastic anemia-B-cell immunodeficiency-periodic fever-developmental delay syndrome. Also called: Sideroblastic anemia with B-cell immunodeficiency, periodic fevers, and developmental delay. Identifiers: Orphanet 369861, MedGen C4015172, MONDO:0014487, OMIM 616084.

Allele frequency attached by ClinVar (database versions not stated): gnomAD exomes 0.00001 and 0.00003; ExAC 0.00003; ESP Exome Variant Server 0.00008; gnomAD 0.00012 and 0.00014; TOPMed 0.00014; 1000 Genomes Project 0.00020; 1000 Genomes Project 30x 0.00031.

Submissions (2):

Labcorp Genetics (formerly Invitae), Labcorp
Classification: Uncertain significance for Congenital sideroblastic anemia-B-cell immunodeficiency-periodic fever-developmental delay syndrome. Last evaluated: 2025-01-15. Review status: criteria provided, single submitter. Criteria: Invitae Variant Classification Sherloc (09022015). Collection method: clinical testing. Allele origin: germline.
Comment: This sequence change replaces valine, which is neutral and non-polar, with methionine, which is neutral and non-polar, at codon 263 of the TRNT1 protein (p.Val263Met). This variant is present in population databases (rs201873697, gnomAD 0.03%). This variant has not been reported in the literature in individuals affected with TRNT1-related conditions. ClinVar contains an entry for this variant (Variation ID: 1062681). Invitae Evidence Modeling of protein sequence and biophysical properties (such as structural, functional, and spatial information, amino acid conservation, physicochemical variation, residue mobility, and thermodynamic stability) indicates that this missense variant is not expected to disrupt TRNT1 protein function with a negative predictive value of 80%. In summary, the available evidence is currently insufficient to determine the role of this variant in disease. Therefore, it has been classified as a Variant of Uncertain Significance.

Ambry Genetics
Classification: Uncertain significance for Inborn genetic diseases. Last evaluated: 2024-11-24. Review status: criteria provided, single submitter. Criteria: Ambry Variant Classification Scheme 2023. Collection method: clinical testing. Allele origin: germline.